The following is an entry in ClinVar:

ClinVar aggregate classification (germline): Uncertain significance (1 of 4 stars; one submission).

gnomAD v4.1: 23 of 1,510,976 alleles (0.0015%); highest among the groups gnomAD compares: Non-Finnish European, 0.0019%; no homozygotes.

Submission:

Ambry Genetics
Classification: Uncertain significance. Last evaluated: 2024-11-17. Review status: criteria provided, single submitter. Criteria: Ambry Variant Classification Scheme 2023. Collection method: clinical testing. Allele origin: germline.
Comment: The p.L669P variant (also known as c.2006T>C), located in coding exon 8 of the WNK2 gene, results from a T to C substitution at nucleotide position 2006. The leucine at codon 669 is replaced by proline, an amino acid with similar properties. This amino acid position is conserved. In addition, this alteration is predicted to be tolerated by in silico analysis. Based on the available evidence, the clinical significance of this variant remains unclear.

NM_006648.4(WNK2):c.2006T>C (p.Leu669Pro)

Gene: WNK2 (WNK lysine deficient protein kinase 2; plus strand). Cytogenetic location: 9q22.31.
Variant type: single nucleotide variant.
Coding change: c.2006T>C on transcript NM_006648.4 (MANE Select); coding-DNA position 2006, T replaced by C.
Protein change: p.Leu669Pro; replaces leucine 669 with proline.
Molecular consequence: missense variant.
Genome position (GRCh38, 1-based): chr9:93,253,054, T>C. VCF-style: chr9-93253054-T-C. GRCh37 (hg19) VCF-style: chr9-96015336-T-C.
Other names: c.2006T>C, p.Leu669Pro (NM_001282394.3); short protein forms L669P.
Identifiers: ClinVar variation 3470164 (VCV003470164.1).